The following is an entry in ClinVar:

NM_032802.4(SPPL2A):c.124T>C (p.Cys42Arg)

Gene: SPPL2A (signal peptide peptidase like 2A; minus strand). Cytogenetic location: 15q21.2.
Variant type: single nucleotide variant.
Coding change: c.124T>C on transcript NM_032802.4 (MANE Select); coding-DNA position 124, T replaced by C.
Protein change: p.Cys42Arg; replaces cysteine 42 with arginine.
Molecular consequence: missense variant.
Genome position (GRCh38, 1-based): chr15:50,749,689, A>G on the plus strand (T>C on the coding strand, the complement: SPPL2A is on the minus strand). VCF-style: chr15-50749689-A-G. GRCh37 (hg19) VCF-style: chr15-51041886-A-G.
Other names: c.124T>C (NM_032802.3); short protein forms C42R.
Identifiers: ClinVar variation 2133194 (VCV002133194.5), dbSNP rs1237571345, ClinGen allele CA392415209.

ClinVar aggregate classification (germline): Uncertain significance. Review status: criteria provided, multiple submitters, no conflicts (2 of 4 stars). 2 submissions from 2 submitters: Uncertain significance (2). Last evaluated 2025-07-16.

Allele frequency attached by ClinVar (database versions not stated): gnomAD exomes below 0.00001; TOPMed 0.00002.
gnomAD v4.1: 1 of 1,613,726 alleles (0.000062%); highest among the groups gnomAD compares: African/African-American, 0.0013%; no homozygotes.

Submissions (2):

Ambry Genetics
Classification: Uncertain significance. Last evaluated: 2025-07-16. Review status: criteria provided, single submitter. Criteria: Ambry Variant Classification Scheme 2023. Collection method: clinical testing. Allele origin: germline.

Labcorp Genetics (formerly Invitae), Labcorp
Classification: Uncertain significance. Last evaluated: 2022-08-23. Review status: criteria provided, single submitter. Criteria: Invitae Variant Classification Sherloc (09022015). Collection method: clinical testing. Allele origin: germline.
Comment: The frequency data for this variant in the population databases is considered unreliable, as metrics indicate poor data quality at this position in the gnomAD database. This variant has not been reported in the literature in individuals affected with SPPL2A-related conditions. Algorithms developed to predict the effect of missense changes on protein structure and function are either unavailable or do not agree on the potential impact of this missense change (SIFT: "Tolerated"; PolyPhen-2: "Probably Damaging"; Align-GVGD: "Class C0"). In summary, the available evidence is currently insufficient to determine the role of this variant in disease. Therefore, it has been classified as a Variant of Uncertain Significance. This sequence change replaces cysteine, which is neutral and slightly polar, with arginine, which is basic and polar, at codon 42 of the SPPL2A protein (p.Cys42Arg).